The following is an entry in ClinVar:

NM_001113378.2(FANCI):c.1513C>T (p.Pro505Ser)

Gene: FANCI (FA complementation group I; plus strand). Cytogenetic location: 15q26.1.
Variant type: single nucleotide variant.
Coding change: c.1513C>T on transcript NM_001113378.2 (MANE Select); coding-DNA position 1513, C replaced by T.
Protein change: p.Pro505Ser; replaces proline 505 with serine.
Molecular consequence: missense variant.
Genome position (GRCh38, 1-based): chr15:89,281,765, C>T. VCF-style: chr15-89281765-C-T. GRCh37 (hg19) VCF-style: chr15-89824996-C-T.
Other names: c.1234C>T, p.Pro412Ser (NM_001376910.1); c.1513C>T, p.Pro505Ser (NM_001376911.1, NM_018193.3); short protein forms P412S, P505S.
Identifiers: ClinVar variation 860830 (VCV000860830.8), dbSNP rs774909787, ClinGen allele CA7723050.

ClinVar aggregate classification (germline): Uncertain significance. Review status: criteria provided, multiple submitters, no conflicts (2 of 4 stars). 2 submissions from 2 submitters: Uncertain significance (2). Last evaluated 2025-05-14.

Conditions:
Fanconi anemia (FA). Also called: Fanconi's anemia. Identifiers: Orphanet 84, MedGen C0015625, MeSH D005199, MONDO:0019391.

Allele frequency attached by ClinVar (database versions not stated): gnomAD exomes below 0.00001; ExAC 0.00001; gnomAD 0.00002; TOPMed 0.00002.
gnomAD v4.1: 5 of 1,613,642 alleles (0.00031%); highest among the groups gnomAD compares: African/African-American, 0.004%; no homozygotes.

Submissions (2):

GeneDx
Classification: Uncertain significance. Last evaluated: 2025-05-14. Review status: criteria provided, single submitter. Criteria: GeneDx Variant Classification Process June 2021. Collection method: clinical testing. Allele origin: germline. Affected: yes.
Comment: In silico analysis supports that this missense variant has a deleterious effect on protein structure/function; Has not been previously published as pathogenic or benign to our knowledge

Labcorp Genetics (formerly Invitae), Labcorp
Classification: Uncertain significance for Fanconi anemia. Last evaluated: 2022-06-13. Review status: criteria provided, single submitter. Criteria: Invitae Variant Classification Sherloc (09022015). Collection method: clinical testing. Allele origin: germline.
Comment: This sequence change replaces proline, which is neutral and non-polar, with serine, which is neutral and polar, at codon 505 of the FANCI protein (p.Pro505Ser). This variant is present in population databases (rs774909787, gnomAD 0.01%). This variant has not been reported in the literature in individuals affected with FANCI-related conditions. ClinVar contains an entry for this variant (Variation ID: 860830). Algorithms developed to predict the effect of missense changes on protein structure and function (SIFT, PolyPhen-2, Align-GVGD) all suggest that this variant is likely to be disruptive. In summary, the available evidence is currently insufficient to determine the role of this variant in disease. Therefore, it has been classified as a Variant of Uncertain Significance.